The following is an entry in ClinVar:

ClinVar aggregate classification (germline): Pathogenic. Review status: criteria provided, single submitter (1 of 4 stars). 3 submissions from 3 submitters: Pathogenic (1). 2 of the submissions do not count toward it. Last evaluated 2022-11-22.

Conditions:
Fanconi anemia (FA). Also called: Fanconi's anemia. Identifiers: Orphanet 84, MedGen C0015625, MeSH D005199, MONDO:0019391.
Fanconi anemia complementation group A (FANCA). Also called: FANCA-Related Fanconi Anemia; Fanconi anemia, group A. Identifiers: Orphanet 84, MedGen C3469521, MONDO:0009215, OMIM 227650.

gnomAD v4.1: 2 of 1,614,012 alleles (0.00012%); highest among the groups gnomAD compares: East Asian, 0.0022%; no homozygotes.

Submissions (3):

Labcorp Genetics (formerly Invitae), Labcorp
Classification: Pathogenic for Fanconi anemia. Last evaluated: 2022-11-22. Review status: criteria provided, single submitter. Criteria: Invitae Variant Classification Sherloc (09022015). Collection method: clinical testing. Allele origin: germline.
Comment: For these reasons, this variant has been classified as Pathogenic. Algorithms developed to predict the effect of sequence changes on RNA splicing suggest that this variant may disrupt the consensus splice site. ClinVar contains an entry for this variant (Variation ID: 555572). Disruption of this splice site has been observed in individuals with Fanconi anemia (PMID: 10090479, 28102861). This variant is not present in population databases (gnomAD no frequency). This sequence change affects an acceptor splice site in intron 27 of the FANCA gene. It is expected to disrupt RNA splicing. Variants that disrupt the donor or acceptor splice site typically lead to a loss of protein function (PMID: 16199547), and loss-of-function variants in FANCA are known to be pathogenic (PMID: 19367192).

Leiden Open Variation Database
Classification: Pathogenic for Fanconi anemia complementation group A. Last evaluated: 2020-02-28. Review status: no assertion criteria provided. Collection method: curation. Allele origin: germline. Affected: yes. Not counted in ClinVar's aggregate classification.
Comment: Curator: Arleen D. Auerbach. Submitter to LOVD: Arleen D. Auerbach.

Counsyl
Classification: Pathogenic for Fanconi anemia complementation group A. Last evaluated: 2017-12-13. Review status: no assertion criteria provided. Collection method: clinical testing. Allele origin: unknown. Not counted in ClinVar's aggregate classification.

Literature cited by the submitters: PubMed 10090479 (cited by 3 submitters); PubMed 28102861 (cited by Labcorp Genetics (formerly Invitae), Labcorp); PubMed 16199547 (cited by Labcorp Genetics (formerly Invitae), Labcorp); PubMed 19367192 (cited by Labcorp Genetics (formerly Invitae), Labcorp); PubMed 15523645 (cited by Leiden Open Variation Database); PubMed 9929978 (cited by Counsyl); PubMed 24037726 (cited by Counsyl).

NM_000135.4(FANCA):c.2602-2A>T

Genes: FANCA (FA complementation group A; minus strand), LOC130059837 (ATAC-STARR-seq lymphoblastoid active region 11420; plus strand). Cytogenetic location: 16q24.3.
Variant type: single nucleotide variant.
Coding change: c.2602-2A>T on transcript NM_000135.4 (MANE Select); the canonical splice acceptor site of the intron before coding-DNA position 2602, A replaced by T.
Molecular consequence: splice acceptor variant.
Genome position (GRCh38, 1-based): chr16:89,765,068, T>A on the plus strand (A>T on the coding strand, the complement: FANCA is on the minus strand). VCF-style: chr16-89765068-T-A. GRCh37 (hg19) VCF-style: chr16-89831476-T-A.
Other names: c.2602-2A>T (NM_001286167.3).
Identifiers: ClinVar variation 555572 (VCV000555572.9), dbSNP rs1555545592, ClinGen allele CA397438951.
Genomic context (GRCh38, chr16:89,765,068, plus strand): 5'-TCCTCCTCAGAAAGAGGCTGTCGGGCCTCTGAGAACAATCTGAACATGAGGAACTGAAAC[T>A]GAAACAGAGAGTGACCCGGCCGTTTCTTCATTGCGCAAGTTTCACTGTGAGTGGCTGAGC-3'